The following is an entry in ClinVar:

ClinVar aggregate classification (germline): Uncertain significance (1 of 4 stars; one submission).

Conditions:
Hereditary cancer-predisposing syndrome. Also called: Neoplastic Syndromes, Hereditary; Tumor predisposition; Hereditary Cancer Syndrome; Hereditary neoplastic syndrome. Identifiers: Orphanet 140162, MedGen C0027672, MeSH D009386, MONDO:0015356.

Submission:

Ambry Genetics
Classification: Uncertain significance for Hereditary cancer-predisposing syndrome. Last evaluated: 2023-06-23. Review status: criteria provided, single submitter. Criteria: Ambry Variant Classification Scheme 2023. Collection method: clinical testing. Allele origin: germline.
Comment: The p.A743T variant (also known as c.2227G>A), located in coding exon 8 of the AXIN2 gene, results from a G to A substitution at nucleotide position 2227. The alanine at codon 743 is replaced by threonine, an amino acid with similar properties. This amino acid position is well conserved in available vertebrate species. In addition, this alteration is predicted to be tolerated by in silico analysis. Since supporting evidence is limited at this time, the clinical significance of this alteration remains unclear.

NM_004655.4(AXIN2):c.2227G>A (p.Ala743Thr)

Gene: AXIN2 (axin 2; minus strand). Cytogenetic location: 17q24.1.
Variant type: single nucleotide variant.
Coding change: c.2227G>A on transcript NM_004655.4 (MANE Select); coding-DNA position 2227, G replaced by A.
Protein change: p.Ala743Thr; replaces alanine 743 with threonine.
Molecular consequence: missense variant.
Genome position (GRCh38, 1-based): chr17:65,535,636, C>T on the plus strand (G>A on the coding strand, the complement: AXIN2 is on the minus strand). VCF-style: chr17-65535636-C-T. GRCh37 (hg19) VCF-style: chr17-63531754-C-T.
Other names: c.2032G>A, p.Ala678Thr (NM_001363813.1); short protein forms A743T, A678T.
Identifiers: ClinVar variation 1788015 (VCV001788015.3), dbSNP rs2144432316, ClinGen allele CA400675716.
Genomic context (GRCh38, chr17:65,535,636, plus strand): 5'-AAACATAAAGCACTCGGCAGATCTCAGTAATGTCAGGTAAAGACACTCACTCTTCTGGAG[C>T]CAGGCTTGGATTGGAGAAGGGTGTGGCTCCCGTCTGAACAGTGGCCGAATGATTCCTGTC-3'
Protein context (NP_004646.3, residues 733-753): GATPFSNPSL[Ala743Thr]PEDHKEPKKL